The following is an entry in ClinVar:

ClinVar aggregate classification (germline): Uncertain significance (1 of 4 stars; one submission).

gnomAD v4.1: 7 of 1,605,708 alleles (0.00044%); highest among the groups gnomAD compares: Non-Finnish European, 0.00017%; no homozygotes.

Submission:

Labcorp Genetics (formerly Invitae), Labcorp
Classification: Uncertain significance. Last evaluated: 2023-11-27. Review status: criteria provided, single submitter. Criteria: Invitae Variant Classification Sherloc (09022015). Collection method: clinical testing. Allele origin: germline.
Comment: This sequence change replaces lysine, which is basic and polar, with asparagine, which is neutral and polar, at codon 846 of the AP3D1 protein (p.Lys846Asn). This variant is not present in population databases (gnomAD no frequency). This variant has not been reported in the literature in individuals affected with AP3D1-related conditions. An algorithm developed to predict the effect of missense changes on protein structure and function (PolyPhen-2) suggests that this variant is likely to be disruptive. In summary, the available evidence is currently insufficient to determine the role of this variant in disease. Therefore, it has been classified as a Variant of Uncertain Significance.

NM_001261826.3(AP3D1):c.2538G>T (p.Lys846Asn)

Gene: AP3D1 (adaptor related protein complex 3 subunit delta 1; minus strand). Cytogenetic location: 19p13.3.
Variant type: single nucleotide variant.
Coding change: c.2538G>T on transcript NM_001261826.3 (MANE Select); coding-DNA position 2538, G replaced by T.
Protein change: p.Lys846Asn; replaces lysine 846 with asparagine.
Molecular consequence: missense variant.
Genome position (GRCh38, 1-based): chr19:2,114,188, C>A on the plus strand (G>T on the coding strand, the complement: AP3D1 is on the minus strand). VCF-style: chr19-2114188-C-A. GRCh37 (hg19) VCF-style: chr19-2114187-C-A.
Other names: c.2538G>T, p.Lys846Asn (NM_001374799.1, NM_003938.8); short protein forms K846N.
Identifiers: ClinVar variation 2957147 (VCV002957147.3), dbSNP rs1198391042, ClinGen allele CA403208271.